The following is an entry in ClinVar:

NM_000744.7(CHRNA4):c.1645C>G (p.Arg549Gly)

Gene: CHRNA4 (cholinergic receptor nicotinic alpha 4 subunit; minus strand). Cytogenetic location: 20q13.33.
Variant type: single nucleotide variant.
Coding change: c.1645C>G on transcript NM_000744.7 (MANE Select); coding-DNA position 1645, C replaced by G.
Protein change: p.Arg549Gly; replaces arginine 549 with glycine.
Molecular consequence: missense variant. On other transcripts: non-coding transcript variant (1).
Genome position (GRCh38, 1-based): chr20:63,349,766, G>C on the plus strand (C>G on the coding strand, the complement: CHRNA4 is on the minus strand). VCF-style: chr20-63349766-G-C. GRCh37 (hg19) VCF-style: chr20-61981118-G-C.
Other names: p.R549G:CGC>GGC; c.1117C>G, p.Arg373Gly (NM_001256573.2); short protein forms R549G, R373G.
Identifiers: ClinVar variation 205052 (VCV000205052.11), dbSNP rs367658654, ClinGen allele CA313621.

ClinVar aggregate classification (germline): Uncertain significance. Review status: criteria provided, multiple submitters, no conflicts (2 of 4 stars). 2 submissions from 2 submitters: Uncertain significance (2). Last evaluated 2025-05-30.

Conditions:
Familial sleep-related hypermotor epilepsy. Also called: Autosomal Dominant Sleep-Related Hypermotor (Hyperkinetic) Epilepsy. Identifiers: Orphanet 98784, MedGen C3696898, MONDO:0000030.

Allele frequency attached by ClinVar (database versions not stated): TOPMed 0.00003; ESP Exome Variant Server 0.00008.

Submissions (2):

Labcorp Genetics (formerly Invitae), Labcorp
Classification: Uncertain significance. Last evaluated: 2025-05-30. Review status: criteria provided, single submitter. Criteria: Invitae Variant Classification Sherloc (09022015). Collection method: clinical testing. Allele origin: germline.
Comment: This sequence change replaces arginine, which is basic and polar, with glycine, which is neutral and non-polar, at codon 549 of the CHRNA4 protein (p.Arg549Gly). This variant is present in population databases (rs367658654, gnomAD 0.004%). This variant has not been reported in the literature in individuals affected with CHRNA4-related conditions. ClinVar contains an entry for this variant (Variation ID: 205052). Invitae Evidence Modeling of protein sequence and biophysical properties (such as structural, functional, and spatial information, amino acid conservation, physicochemical variation, residue mobility, and thermodynamic stability) indicates that this missense variant is not expected to disrupt CHRNA4 protein function with a negative predictive value of 80%. In summary, the available evidence is currently insufficient to determine the role of this variant in disease. Therefore, it has been classified as a Variant of Uncertain Significance.

GeneDx
Classification: Uncertain significance. Last evaluated: 2014-09-22. Review status: criteria provided, single submitter. Criteria: GeneDx Variant Classification (06012015). Collection method: clinical testing. Allele origin: germline. Affected: yes.
Comment: p.Arg549Gly (CGC>GGC): c.1645 C>G in exon 5 of the CHRNA4 gene (NM_000744.5) The R549G variant has not been published as a mutation, nor has it been reported as a benign polymorphism to our knowledge. It was not observed with any significant frequency in approximately 6,500 individuals of European and African American ancestry in the NHLBI Exome Sequencing Project. This substitution occurs at a position that is not conserved across species, and in silico analysis predicts this variant likely does not alter the protein structure/function. Additionally, this amino acid substitution does not occur within the transmembrane region of the protein, where the vast majority of pathogenic missense mutations have been identified in association with epilepsy (Steinlein et al., 2010). However, the R549G variant is a non-conservative amino acid substitution, which is likely to impact secondary protein structure as these residues differ in polarity, charge, size and/or other properties. Therefore, based on the currently available information, it is unclear whether this variant is a pathogenic mutation or a rare benign variant. The variant is found in EPILEPSY panel(s).